The following is an entry in ClinVar:

NM_005633.4(SOS1):c.3611T>C (p.Ile1204Thr)

Gene: SOS1 (SOS Ras/Rac guanine nucleotide exchange factor 1; minus strand). Cytogenetic location: 2p22.1.
Variant type: single nucleotide variant.
Coding change: c.3611T>C on transcript NM_005633.4 (MANE Select); coding-DNA position 3611, T replaced by C.
Protein change: p.Ile1204Thr; replaces isoleucine 1204 with threonine.
Molecular consequence: missense variant.
Genome position (GRCh38, 1-based): chr2:38,986,215, A>G on the plus strand (T>C on the coding strand, the complement: SOS1 is on the minus strand). VCF-style: chr2-38986215-A-G. GRCh37 (hg19) VCF-style: chr2-39213356-A-G.
Other names: c.3590T>C, p.Ile1197Thr (NM_001382394.1); c.3566T>C, p.Ile1189Thr (NM_001382395.1); short protein forms I1197T, I1204T, I1189T.
Identifiers: ClinVar variation 2567937 (VCV002567937.2), dbSNP rs2528872173, ClinGen allele CA346362735.

ClinVar aggregate classification (germline): Uncertain significance (1 of 4 stars; one submission).

Conditions:
Cardiovascular phenotype. Identifiers: MedGen CN230736.

Submission:

Ambry Genetics
Classification: Uncertain significance for Cardiovascular phenotype. Last evaluated: 2023-06-12. Review status: criteria provided, single submitter. Criteria: Ambry Variant Classification Scheme 2023. Collection method: clinical testing. Allele origin: germline.
Comment: The p.I1204T variant (also known as c.3611T>C), located in coding exon 23 of the SOS1 gene, results from a T to C substitution at nucleotide position 3611. The isoleucine at codon 1204 is replaced by threonine, an amino acid with similar properties. This amino acid position is conserved. In addition, this alteration is predicted to be tolerated by in silico analysis. Since supporting evidence is limited at this time, the clinical significance of this alteration remains unclear.